The following is an entry in ClinVar:

NM_000038.6(APC):c.7158G>A (p.Lys2386=)

Gene: APC (APC regulator of Wnt signaling pathway; plus strand). Cytogenetic location: 5q22.2.
Variant type: single nucleotide variant.
Coding change: c.7158G>A on transcript NM_000038.6 (MANE Select); coding-DNA position 7158, G replaced by A.
Protein change: p.Lys2386=; no amino-acid change (lysine 2386 retained).
Molecular consequence: synonymous variant. On other transcripts: non-coding transcript variant (2).
Genome position (GRCh38, 1-based): chr5:112,842,752, G>A. VCF-style: chr5-112842752-G-A. GRCh37 (hg19) VCF-style: chr5-112178449-G-A.
Other names: c.7158G>A, p.Lys2386= (NM_001127510.3, NM_001354895.2, NM_001407450.1); c.7104G>A, p.Lys2368= (NM_001127511.3); c.7212G>A, p.Lys2404= (NM_001354896.2, NM_001407447.1, NM_001407448.1 and 1 more transcripts); c.7188G>A, p.Lys2396= (NM_001354897.2); c.7083G>A, p.Lys2361= (NM_001354898.2); c.7074G>A, p.Lys2358= (NM_001354899.2); c.7035G>A, p.Lys2345= (NM_001354900.2); c.6981G>A, p.Lys2327= (NM_001354901.2, NM_001407453.1); and 11 more.
Identifiers: ClinVar variation 3254472 (VCV003254472.1), dbSNP rs1766393148.

ClinVar aggregate classification (germline): Benign (1 of 4 stars; one submission).

Conditions:
Familial adenomatous polyposis 1 (FAP1). Also called: FAMILIAL ADENOMATOUS POLYPOSIS 1, ATTENUATED; POLYPOSIS, ADENOMATOUS INTESTINAL. Identifiers: MedGen C2713442, MONDO:0021056, OMIM 175100. Disease mechanism: loss of function.

Submission:

Myriad Genetics, Inc.
Classification: Benign for Familial adenomatous polyposis 1. Last evaluated: 2024-04-09. Review status: criteria provided, single submitter. Criteria: Myriad Autosomal Dominant, Autosomal Recessive and X-Linked Classification Criteria (2023). Collection method: clinical testing. Allele origin: unknown.
Comment: This variant is considered benign. This variant is a silent/synonymous amino acid change and it is not expected to impact splicing.